The following is an entry in ClinVar:

ClinVar aggregate classification (germline): Conflicting classifications of pathogenicity. Review status: criteria provided, conflicting classifications (1 of 4 stars). 6 submissions from 6 submitters: Likely pathogenic (4); Uncertain significance (2). Last evaluated 2026-04-02.

Conditions:
Hereditary cancer-predisposing syndrome. Also called: Tumor predisposition; Hereditary neoplastic syndrome; Neoplastic Syndromes, Hereditary; Hereditary Cancer Syndrome. Identifiers: Orphanet 140162, MedGen C0027672, MeSH D009386, MONDO:0015356.
Familial cancer of breast. Also called: BREAST CANCER, FAMILIAL; hereditary breast carcinoma; Hereditary breast cancer. Identifiers: Orphanet 227535, MedGen C0346153, MONDO:0016419, OMIM 114480. Disease mechanism: loss of function.
Ataxia-telangiectasia syndrome (AT). Also called: Ataxia telangiectasia (A-T); Ataxia-telangiectasia, complementation group E; ATAXIA-TELANGIECTASIA, COMPLEMENTATION GROUP A; ATAXIA-TELANGIECTASIA, FRESNO VARIANT; Ataxia-telangiectasia; LOUIS-BAR SYNDROME. Identifiers: Orphanet 100, MedGen C0004135, MONDO:0008840, OMIM 208900.

Allele frequency attached by ClinVar (database versions not stated): gnomAD exomes below 0.00001.
gnomAD v4.1: 2 of 1,613,746 alleles (0.00012%); highest among the groups gnomAD compares: Non-Finnish European, 0.00017%; no homozygotes.

Submissions (6):

Myriad Genetics, Inc.
Classification: Likely pathogenic for Familial cancer of breast. Last evaluated: 2026-04-02. Review status: criteria provided, single submitter. Criteria: Myriad Autosomal Dominant, Autosomal Recessive and X-Linked Classification Criteria (2023). Collection method: clinical testing. Allele origin: unknown.
Comment: This variant is considered likely pathogenic. mRNA analysis has demonstrated abnormal mRNA splicing occurs [Myriad internal data]. This variant has been reported in multiple individuals with clinical features of gene-specific disease [PMID: 12815592, 21665257, 10980530, 37438524].

Labcorp Genetics (formerly Invitae), Labcorp
Classification: Uncertain significance for Ataxia-telangiectasia syndrome. Last evaluated: 2025-09-16. Review status: criteria provided, single submitter. Criteria: Invitae Variant Classification Sherloc (09022015). Collection method: clinical testing. Allele origin: germline.
Comment: This sequence change replaces glutamine, which is neutral and polar, with histidine, which is basic and polar, at codon 1331 of the ATM protein (p.Gln1331His). This variant also falls at the last nucleotide of exon 26, which is part of the consensus splice site for this exon. This variant is present in population databases (no rsID available, gnomAD 0.0009%). This variant has not been reported in the literature in individuals affected with ATM-related conditions. ClinVar contains an entry for this variant (Variation ID: 221142). An algorithm developed to predict the effect of missense changes on protein structure and function (PolyPhen-2) suggests that this variant is likely to be disruptive. Variants that disrupt the consensus splice site are a relatively common cause of aberrant splicing (PMID: 17576681, 9536098). Algorithms developed to predict the effect of sequence changes on RNA splicing suggest that this variant may disrupt the consensus splice site. In summary, the available evidence is currently insufficient to determine the role of this variant in disease. Therefore, it has been classified as a Variant of Uncertain Significance.

Color Diagnostics, LLC DBA Color Health
Classification: Likely pathogenic for Hereditary cancer-predisposing syndrome. Last evaluated: 2025-06-10. Review status: criteria provided, single submitter. Criteria: ACMG Guidelines, 2015. Collection method: clinical testing. Allele origin: germline.
Comment: This variant changes the last nucleotide c.G of exon 26 in the HEAT repeat domain of the ATM gene. This variant has been reported to impact RNA splicing by an external laboratory, however, detailed data are not available for review (ClinVar Accession: SCV000273958.9). A minigene assay of a different variant at the same position, c.3993G>A (p.Gln1331=), resulted in ~27% of transcripts with out-of-frame skipping of exon 26 and ~73% of transcripts that used a cryptic donor site 120 nucleotides downstream of the canonical donor site (PMID: 35716007). This variant, c.3993G>C, has not been reported in individuals affected with ATM-related disorders in the literature. This variant has been identified in 1/250868 chromosomes in the general population by the Genome Aggregation Database (gnomAD). A different variant impacting the same splice site, c.3993+1G>A, has been detected in individuals affected with Ataxia-Telangiectasia (PMID: 10980530, 12815592). Loss of ATM function is a known mechanism of disease. Based on the available evidence, this variant is classified as Likely Pathogenic.

Ambry Genetics
Classification: Likely pathogenic for Hereditary cancer-predisposing syndrome. Last evaluated: 2024-10-16. Review status: criteria provided, single submitter. Criteria: Ambry Variant Classification Scheme 2023. Collection method: clinical testing. Allele origin: germline.
Comment: The c.3993G>C variant (also known as p.Q1331H), located in coding exon 25 of the ATM gene, results from a G to C substitution at nucleotide position 3993. This change occurs in the last base pair of coding exon 25, which makes it likely to have some effect on normal mRNA splicing. This alteration has been reported in at least one subject in a study of 13087 breast cancer cases and 5488 control individuals in the UK (Decker B et al. J Med Genet, 2017 11;54:732-741). In silico splice site analysis predicts that this alteration may weaken the native splice donor site and may result in the creation or strengthening of a novel splice donor site. RNA studies have demonstrated that this alteration results in abnormal splicing in the set of samples tested (Ambry internal data). Another alteration impacting the same donor site (c.3993+1G>A ), has been shown to have a similar impact on splicing (Ambry internal data) and has has been described in several ataxia-telangiectasia families (Laake K et al. Hum. Mutat. 2000; 16:232-46; Mitui M et al. Hum. Mutat. 2003; 22:43-50). Based on the majority of available evidence to date, this variant is likely to be pathogenic.

GeneDx
Classification: Likely pathogenic. Last evaluated: 2024-05-13. Review status: criteria provided, single submitter. Criteria: GeneDx Variant Classification Process June 2021. Collection method: clinical testing. Allele origin: germline. Affected: yes.
Comment: Exonic splice variant demonstrated to result in abnormal splicing (External communication with Ambry Genetics); Not observed at significant frequency in large population cohorts (gnomAD); In silico analysis supports that this missense variant has a deleterious effect on protein structure/function; In silico analysis supports a deleterious effect on splicing; Observed in individuals with breast cancer and absent in unaffected controls (PMID: 28779002); This variant is associated with the following publications: (PMID: 28055970, 22941188, 26010451, 28779002)

Baylor Genetics
Classification: Uncertain significance for Familial cancer of breast. Last evaluated: 2022-12-07. Review status: criteria provided, single submitter. Criteria: ACMG Guidelines, 2015. Collection method: clinical testing. Allele origin: unknown.

Literature cited by the submitters: PubMed 12815592 (cited by Myriad Genetics, Inc. and Color Diagnostics, LLC DBA Color Health); PubMed 21665257 (cited by Myriad Genetics, Inc.); PubMed 10980530 (cited by Myriad Genetics, Inc. and Color Diagnostics, LLC DBA Color Health); PubMed 37438524 (cited by Myriad Genetics, Inc.); PubMed 17576681 (cited by Labcorp Genetics (formerly Invitae), Labcorp); PubMed 9536098 (cited by Labcorp Genetics (formerly Invitae), Labcorp); PubMed 35716007 (cited by Color Diagnostics, LLC DBA Color Health); PubMed 28779002 (cited by Ambry Genetics).

NM_000051.4(ATM):c.3993G>C (p.Gln1331His)

Gene: ATM (ATM serine/threonine kinase; plus strand). Cytogenetic location: 11q22.3.
Variant type: single nucleotide variant.
Coding change: c.3993G>C on transcript NM_000051.4 (MANE Select); coding-DNA position 3993, G replaced by C.
Protein change: p.Gln1331His; replaces glutamine 1331 with histidine.
Molecular consequence: missense variant.
Genome position (GRCh38, 1-based): chr11:108,284,473, G>C. VCF-style: chr11-108284473-G-C. GRCh37 (hg19) VCF-style: chr11-108155200-G-C.
Other names: c.3993G>C, p.Gln1331His (NM_001351834.2); short protein forms Q1331H.
Identifiers: ClinVar variation 221142 (VCV000221142.17), dbSNP rs863224566, ClinGen allele CA350344.